The following is an entry in ClinVar:

ClinVar aggregate classification (germline): Likely benign (1 of 4 stars; one submission).

Conditions:
Familial cancer of breast. Also called: hereditary breast carcinoma; BREAST CANCER, FAMILIAL; Hereditary breast cancer. Identifiers: Orphanet 227535, MedGen C0346153, MONDO:0016419, OMIM 114480. Disease mechanism: loss of function.

Allele frequency attached by ClinVar (database versions not stated): gnomAD exomes below 0.00001.
gnomAD v4.1: 1 of 1,607,910 alleles (0.000062%); highest among the groups gnomAD compares: Middle Eastern, 0.017%; no homozygotes.

Submission:

Myriad Genetics, Inc.
Classification: Likely benign for Familial cancer of breast. Last evaluated: 2024-06-05. Review status: criteria provided, single submitter. Criteria: Myriad Autosomal Dominant, Autosomal Recessive and X-Linked Classification Criteria (2023). Collection method: clinical testing. Allele origin: unknown.
Comment: This variant is considered likely benign. This variant is intronic and is not expected to impact mRNA splicing.

NM_000051.4(ATM):c.6199-11C>T

Genes: ATM (ATM serine/threonine kinase; plus strand), C11orf65 (chromosome 11 open reading frame 65; minus strand). Cytogenetic location: 11q22.3.
Variant type: single nucleotide variant.
Coding change: c.6199-11C>T on transcript NM_000051.4 (MANE Select); 11 bases into the intron before coding-DNA position 6199, C replaced by T.
Molecular consequence: intron variant.
Genome position (GRCh38, 1-based): chr11:108,317,362, C>T. VCF-style: chr11-108317362-C-T. GRCh37 (hg19) VCF-style: chr11-108188089-C-T.
Other names: c.6199-11C>T (NM_001351834.2); c.641-8291G>A (NM_001330368.2); c.*39-8291G>A (NM_001351110.2).
Identifiers: ClinVar variation 3254001 (VCV003254001.1), dbSNP rs2136161477.